The following is an entry in ClinVar:

ClinVar aggregate classification (germline): Conflicting classifications of pathogenicity. Review status: criteria provided, conflicting classifications (1 of 4 stars). 4 submissions from 4 submitters: Uncertain significance (3); Likely benign (1). Last evaluated 2025-12-31.

Conditions:
Cardiovascular phenotype. Identifiers: MedGen CN230736.
Progressive familial heart block type IB (PFHB1B). Identifiers: Orphanet 871, MedGen C1970298, MONDO:0011474, OMIM 604559.

Allele frequency attached by ClinVar (database versions not stated): gnomAD exomes 0.00003 and 0.00006; ExAC 0.00008; ESP Exome Variant Server 0.00015; 1000 Genomes Project 30x 0.00016; 1000 Genomes Project 0.00020; gnomAD 0.00023 and 0.00024; TOPMed 0.00028.
gnomAD v4.1: 72 of 1,614,024 alleles (0.0045%); highest among the groups gnomAD compares: African/African-American, 0.085%; no homozygotes.

Submissions (4):

Labcorp Genetics (formerly Invitae), Labcorp
Classification: Likely benign for Progressive familial heart block type IB. Last evaluated: 2025-12-31. Review status: criteria provided, single submitter. Criteria: Invitae Variant Classification Sherloc (09022015). Collection method: clinical testing. Allele origin: germline.

GeneDx
Classification: Uncertain significance. Last evaluated: 2025-09-23. Review status: criteria provided, single submitter. Criteria: GeneDx Variant Classification Process June 2021. Collection method: clinical testing. Allele origin: germline. Affected: yes.
Comment: In silico analysis supports that this missense variant has a deleterious effect on protein structure/function; Has not been previously published as pathogenic or benign to our knowledge

Ambry Genetics
Classification: Uncertain significance for Cardiovascular phenotype. Last evaluated: 2025-07-21. Review status: criteria provided, single submitter. Criteria: Ambry Variant Classification Scheme 2023. Collection method: clinical testing. Allele origin: germline.
Comment: The p.A189V variant (also known as c.566C>T), located in coding exon 5 of the TRPM4 gene, results from a C to T substitution at nucleotide position 566. The alanine at codon 189 is replaced by valine, an amino acid with similar properties. This amino acid position is well conserved in available vertebrate species. In addition, this alteration is predicted to be tolerated by in silico analysis. Since supporting evidence is limited at this time, the clinical significance of this alteration remains unclear.

ARUP Laboratories, Molecular Genetics and Genomics, ARUP Laboratories
Classification: Uncertain significance. Last evaluated: 2019-11-25. Review status: criteria provided, single submitter. Criteria: ARUP Molecular Germline Variant Investigation Process. Collection method: clinical testing. Allele origin: germline.
Comment: The TRPM4 c.566C>T; p.Ala189Val variant (rs145501662), to our knowledge, is not reported in the medical literature but is reported in ClinVar (Variation ID: 451962). This variant is found in the African population with an allele frequency of 0.084% (21/24938 alleles) in the Genome Aggregation Database. The alanine at codon 189 is highly conserved, and computational analyses (SIFT, PolyPhen-2) predict that this variant is deleterious. Due to limited information, the clinical significance of the p.Ala189Val variant is uncertain at this time.

NM_017636.4(TRPM4):c.566C>T (p.Ala189Val)

Gene: TRPM4 (transient receptor potential cation channel subfamily M member 4; plus strand). Cytogenetic location: 19q13.33.
Variant type: single nucleotide variant.
Coding change: c.566C>T on transcript NM_017636.4 (MANE Select); coding-DNA position 566, C replaced by T.
Protein change: p.Ala189Val; replaces alanine 189 with valine.
Molecular consequence: missense variant. On other transcripts: 5 prime UTR variant (1), intron variant (2).
Genome position (GRCh38, 1-based): chr19:49,168,377, C>T. VCF-style: chr19-49168377-C-T. GRCh37 (hg19) VCF-style: chr19-49671634-C-T.
Other names: c.566C>T, p.Ala189Val (NM_001195227.2); c.-988C>T (NM_001321282.2); c.44C>T, p.Ala15Val (NM_001321283.2); c.268-176C>T (NM_001321281.2); c.-237-176C>T (NM_001321285.2); short protein forms A189V, A15V.
Identifiers: ClinVar variation 451962 (VCV000451962.25), dbSNP rs145501662, ClinGen allele CA9568856.